The following is an entry in ClinVar:

ClinVar aggregate classification (germline): Uncertain significance (1 of 4 stars; one submission).

Conditions:
Parathyroid carcinoma (PRTC). Also called: Parathyroid gland carcinoma; CDC73-Related Parathyroid Carcinoma. Identifiers: Orphanet 143, MedGen C0687150, MONDO:0012004, OMIM 608266, HP:0006780.

Allele frequency attached by ClinVar (database versions not stated): gnomAD exomes below 0.00001; TOPMed below 0.00001; gnomAD 0.00001; ESP Exome Variant Server 0.00008.
gnomAD v4.1: 3 of 1,558,762 alleles (0.00019%); highest among the groups gnomAD compares: Non-Finnish European, 0.00027%; no homozygotes.

Submission:

Labcorp Genetics (formerly Invitae), Labcorp
Classification: Uncertain significance for Parathyroid carcinoma. Last evaluated: 2024-04-08. Review status: criteria provided, single submitter. Criteria: Invitae Variant Classification Sherloc (09022015). Collection method: clinical testing. Allele origin: germline.
Comment: This sequence change replaces glutamic acid, which is acidic and polar, with aspartic acid, which is acidic and polar, at codon 101 of the CDC73 protein (p.Glu101Asp). This variant is not present in population databases (gnomAD no frequency). This variant has not been reported in the literature in individuals affected with CDC73-related conditions. ClinVar contains an entry for this variant (Variation ID: 1431994). Advanced modeling of protein sequence and biophysical properties (such as structural, functional, and spatial information, amino acid conservation, physicochemical variation, residue mobility, and thermodynamic stability) performed at Invitae indicates that this missense variant is not expected to disrupt CDC73 protein function with a negative predictive value of 80%. In summary, the available evidence is currently insufficient to determine the role of this variant in disease. Therefore, it has been classified as a Variant of Uncertain Significance.

NM_024529.5(CDC73):c.303A>C (p.Glu101Asp)

Gene: CDC73 (cell division cycle 73; plus strand). Cytogenetic location: 1q31.2.
Variant type: single nucleotide variant.
Coding change: c.303A>C on transcript NM_024529.5 (MANE Select); coding-DNA position 303, A replaced by C.
Protein change: p.Glu101Asp; replaces glutamic acid 101 with aspartic acid.
Molecular consequence: missense variant.
Genome position (GRCh38, 1-based): chr1:193,130,239, A>C. VCF-style: chr1-193130239-A-C. GRCh37 (hg19) VCF-style: chr1-193099369-A-C.
Other names: short protein forms E101D.
Identifiers: ClinVar variation 1431994 (VCV001431994.6), dbSNP rs372978307, ClinGen allele CA34413573.
Genomic context (GRCh38, chr1:193,130,239, plus strand): 5'-AAATATTCCTGTGGTTAGAAGACCTGATCGAAAAGATCTACTTGGATATCTCAATGGTGA[A>C]GCGTGTGAGTACTTTTTAAATTGTTCCCAGTCTTAAACAGACATTGTTTCTTTTTTCCCC-3'
Protein context (NP_078805.3, residues 91-111): RKDLLGYLNG[Glu101Asp]ASTSASIDRS